The following is an entry in ClinVar:

ClinVar aggregate classification (germline): Uncertain significance (1 of 4 stars; one submission).

Conditions:
Alstrom syndrome (ALMS). Identifiers: Orphanet 64, MedGen C0268425, MONDO:0008763, OMIM 203800.

gnomAD v4.1: 1 of 1,614,094 alleles (0.000062%); highest among the groups gnomAD compares: Non-Finnish European, 0.000085%; no homozygotes.

Submission:

Labcorp Genetics (formerly Invitae), Labcorp
Classification: Uncertain significance for Alstrom syndrome. Last evaluated: 2021-04-16. Review status: criteria provided, single submitter. Criteria: Invitae Variant Classification Sherloc (09022015). Collection method: clinical testing. Allele origin: germline.
Comment: This sequence change replaces threonine with serine at codon 2030 of the ALMS1 protein (p.Thr2030Ser). The threonine residue is moderately conserved and there is a small physicochemical difference between threonine and serine. This variant is present in population databases (rs759478895, ExAC 0.009%). This variant has not been reported in the literature in individuals with ALMS1-related conditions. Experimental studies and prediction algorithms are not available or were not evaluated, and the functional significance of this variant is currently unknown. In summary, the available evidence is currently insufficient to determine the role of this variant in disease. Therefore, it has been classified as a Variant of Uncertain Significance.

NM_001378454.1(ALMS1):c.6085A>T (p.Thr2029Ser)

Gene: ALMS1 (ALMS1 centrosome and basal body associated protein; plus strand). Cytogenetic location: 2p13.1.
Variant type: single nucleotide variant.
Coding change: c.6085A>T on transcript NM_001378454.1 (MANE Select); coding-DNA position 6085, A replaced by T.
Protein change: p.Thr2029Ser; replaces threonine 2029 with serine.
Molecular consequence: missense variant.
Genome position (GRCh38, 1-based): chr2:73,452,612, A>T. VCF-style: chr2-73452612-A-T. GRCh37 (hg19) VCF-style: chr2-73679739-A-T.
Other names: c.6088A>T, p.Thr2030Ser (NM_015120.4); short protein forms T2029S, T2030S.
Identifiers: ClinVar variation 1406861 (VCV001406861.3), dbSNP rs759478895, ClinGen allele CA1714001.